The following is an entry in ClinVar:

NM_004370.6(COL12A1):c.4933C>A (p.Pro1645Thr)

Gene: COL12A1 (collagen type XII alpha 1 chain; minus strand). Cytogenetic location: 6q13.
Variant type: single nucleotide variant.
Coding change: c.4933C>A on transcript NM_004370.6 (MANE Select); coding-DNA position 4933, C replaced by A.
Protein change: p.Pro1645Thr; replaces proline 1645 with threonine.
Molecular consequence: missense variant.
Genome position (GRCh38, 1-based): chr6:75,142,056, G>T on the plus strand (C>A on the coding strand, the complement: COL12A1 is on the minus strand). VCF-style: chr6-75142056-G-T. GRCh37 (hg19) VCF-style: chr6-75851772-G-T.
Other names: c.1441C>A, p.Pro481Thr (NM_080645.3, NM_001424116.1); c.4933C>A, p.Pro1645Thr (NM_001424113.1, NM_001424114.1); c.4660C>A, p.Pro1554Thr (NM_001424115.1); short protein forms P1554T, P1645T, P481T.
Identifiers: ClinVar variation 3754556 (VCV003754556.2).
Genomic context (GRCh38, chr6:75,142,056, plus strand): 5'-GTTTCCCATTATCAGTGGAGCAGGAGCACAACTCACGGGTAGTTTCTTGAGCAGTCACTG[G>T]AGGAGACTCCCCCTCGTCATGTACTGCAGAAACGCTGACTGTGTACAAGGTCTGTGAGAA-3'
Protein context (NP_004361.3, residues 1635-1655): SAVHDEGESP[Pro1645Thr]VTAQETTRPV

ClinVar aggregate classification (germline): Uncertain significance (1 of 4 stars; one submission).

Conditions:
Ullrich congenital muscular dystrophy 2 (UCMD2). Identifiers: Orphanet 75840, MedGen C4225314, MONDO:0014654, OMIM 616470.
Bethlem myopathy 2 (BTHLM2). Identifiers: Orphanet 536516, Orphanet 610, MedGen C4225313, MONDO:0034022, OMIM 616471.

gnomAD v4.1: 1 of 1,614,102 alleles (0.000062%); highest among the groups gnomAD compares: Non-Finnish European, 0.000085%; no homozygotes.

Submission:

Labcorp Genetics (formerly Invitae), Labcorp
Classification: Uncertain significance for Bethlem myopathy 2; Ullrich congenital muscular dystrophy 2. Last evaluated: 2024-02-18. Review status: criteria provided, single submitter. Criteria: Invitae Variant Classification Sherloc (09022015). Collection method: clinical testing. Allele origin: germline.
Comment: This sequence change replaces proline, which is neutral and non-polar, with threonine, which is neutral and polar, at codon 1645 of the COL12A1 protein (p.Pro1645Thr). This variant is not present in population databases (gnomAD no frequency). This variant has not been reported in the literature in individuals affected with COL12A1-related conditions. Advanced modeling of protein sequence and biophysical properties (such as structural, functional, and spatial information, amino acid conservation, physicochemical variation, residue mobility, and thermodynamic stability) performed at Invitae indicates that this missense variant is not expected to disrupt COL12A1 protein function with a negative predictive value of 80%. In summary, the available evidence is currently insufficient to determine the role of this variant in disease. Therefore, it has been classified as a Variant of Uncertain Significance.